The following is an entry in ClinVar:

NM_020754.4(ARHGAP31):c.435C>G (p.Thr145=)

Gene: ARHGAP31 (Rho GTPase activating protein 31; plus strand). Cytogenetic location: 3q13.33.
Variant type: single nucleotide variant.
Coding change: c.435C>G on transcript NM_020754.4 (MANE Select); coding-DNA position 435, C replaced by G.
Protein change: p.Thr145=; no amino-acid change (threonine 145 retained).
Molecular consequence: synonymous variant.
Genome position (GRCh38, 1-based): chr3:119,382,295, C>G. VCF-style: chr3-119382295-C-G. GRCh37 (hg19) VCF-style: chr3-119101142-C-G.
Identifiers: ClinVar variation 287280 (VCV000287280.18), dbSNP rs201927115, ClinGen allele CA2553586.

ClinVar aggregate classification (germline): Conflicting classifications of pathogenicity. Review status: criteria provided, conflicting classifications (1 of 4 stars). 4 submissions from 4 submitters: Uncertain significance (1); Likely benign (2). 1 of the submissions does not count toward it. Last evaluated 2026-01-12.

Conditions:
ARHGAP31-related disorder. Also called: ARHGAP31-related condition.

Allele frequency attached by ClinVar (database versions not stated): TOPMed 0.00021; gnomAD 0.00024; ESP Exome Variant Server 0.00025; ExAC 0.00043; gnomAD exomes 0.00045.
gnomAD v4.1: 392 of 1,614,108 alleles (0.024%); highest among the groups gnomAD compares: Middle Eastern, 0.54%; 2 homozygotes.

Submissions (4):

Labcorp Genetics (formerly Invitae), Labcorp
Classification: Likely benign. Last evaluated: 2026-01-12. Review status: criteria provided, single submitter. Criteria: Invitae Variant Classification Sherloc (09022015). Collection method: clinical testing. Allele origin: germline.

Blueprint Genetics
Classification: Likely benign. Last evaluated: 2024-11-11. Review status: criteria provided, single submitter. Criteria: ACMG Guidelines, 2015. Collection method: clinical testing. Allele origin: germline.

Eurofins Ntd Llc (ga)
Classification: Uncertain significance. Last evaluated: 2016-04-29. Review status: criteria provided, single submitter. Criteria: EGL Classification Definitions 2015. Collection method: clinical testing. Allele origin: germline. Observed: 1 variant allele, 1 heterozygote.

PreventionGenetics, part of Exact Sciences
Classification: Likely benign for ARHGAP31-related condition. Last evaluated: 2019-08-02. Review status: no assertion criteria provided. Collection method: clinical testing. Allele origin: germline. Not counted in ClinVar's aggregate classification.
Comment: This variant is classified as likely benign based on ACMG/AMP sequence variant interpretation guidelines (Richards et al. 2015 PMID: 25741868, with internal and published modifications).